The following is an entry in ClinVar:

ClinVar aggregate classification (germline): Likely benign. Review status: criteria provided, multiple submitters, no conflicts (2 of 4 stars). 3 submissions from 3 submitters: Likely benign (2). 1 of the submissions does not count toward it. Last evaluated 2025-04-18.

Conditions:
RBM10-related disorder. Also called: RBM10-related condition.

Allele frequency attached by ClinVar (database versions not stated): gnomAD 0.00002 and 0.00003; TOPMed 0.00003; gnomAD exomes 0.00005 and 0.00011; ExAC 0.00014.
gnomAD v4.1: 60 of 1,204,302 alleles (0.005%); highest among the groups gnomAD compares: South Asian, 0.036%; 1 homozygote.

Submissions (3):

Labcorp Genetics (formerly Invitae), Labcorp
Classification: Likely benign. Last evaluated: 2025-04-18. Review status: criteria provided, single submitter. Criteria: Invitae Variant Classification Sherloc (09022015). Collection method: clinical testing. Allele origin: germline.

Blueprint Genetics
Classification: Likely benign. Last evaluated: 2020-02-17. Review status: criteria provided, single submitter. Criteria: ACMG Guidelines, 2015. Collection method: clinical testing. Allele origin: germline.

PreventionGenetics, part of Exact Sciences
Classification: Likely benign for RBM10-related condition. Last evaluated: 2019-06-07. Review status: no assertion criteria provided. Collection method: clinical testing. Allele origin: germline. Not counted in ClinVar's aggregate classification.
Comment: This variant is classified as likely benign based on ACMG/AMP sequence variant interpretation guidelines (Richards et al. 2015 PMID: 25741868, with internal and published modifications).

NM_005676.5(RBM10):c.2319G>A (p.Ala773=)

Gene: RBM10 (RNA binding motif protein 10; plus strand). Cytogenetic location: Xp11.3.
Variant type: single nucleotide variant.
Coding change: c.2319G>A on transcript NM_005676.5 (MANE Select); coding-DNA position 2319, G replaced by A.
Protein change: p.Ala773=; no amino-acid change (alanine 773 retained).
Molecular consequence: synonymous variant.
Genome position (GRCh38, 1-based): chrX:47,185,594, G>A. VCF-style: chrX-47185594-G-A. GRCh37 (hg19) VCF-style: chrX-47044993-G-A.
Other names: c.2088G>A, p.Ala696= (NM_001204466.2); c.2316G>A, p.Ala772= (NM_001204467.2); c.2514G>A, p.Ala838= (NM_001204468.2); c.2085G>A, p.Ala695= (NM_152856.3).
Identifiers: ClinVar variation 749986 (VCV000749986.9), dbSNP rs781864232, ClinGen allele CA10395443.
Genomic context (GRCh38, chrX:47,185,594, plus strand): 5'-CACCGACTGGCAGAAGCTGGCCTGTCTGCTCTGCCGACGCCAGTTCCCCAGCAAAGAGGC[G>A]CTCATCCGGCACCAGCAGCTCTCAGGGCTCCACAAGGTAACAGCGGATGGTTGGCAGGGC-3'
Protein context (NP_005667.2, residues 763-783): LCRRQFPSKE[Ala773=]LIRHQQLSGL